The following is an entry in ClinVar:

ClinVar aggregate classification (germline): Uncertain significance (1 of 4 stars; one submission).

gnomAD v4.1: 5 of 1,613,944 alleles (0.00031%); highest among the groups gnomAD compares: Middle Eastern, 0.016%; no homozygotes.

Submission:

Labcorp Genetics (formerly Invitae), Labcorp
Classification: Uncertain significance. Last evaluated: 2022-04-01. Review status: criteria provided, single submitter. Criteria: Invitae Variant Classification Sherloc (09022015). Collection method: clinical testing. Allele origin: germline.
Comment: In summary, the available evidence is currently insufficient to determine the role of this variant in disease. Therefore, it has been classified as a Variant of Uncertain Significance. Algorithms developed to predict the effect of missense changes on protein structure and function (SIFT, PolyPhen-2, Align-GVGD) all suggest that this variant is likely to be disruptive. This variant has not been reported in the literature in individuals affected with NDUFAF1-related conditions. This variant is present in population databases (no rsID available, gnomAD no frequency). This sequence change replaces aspartic acid, which is acidic and polar, with glutamic acid, which is acidic and polar, at codon 174 of the NDUFAF1 protein (p.Asp174Glu).

NM_016013.4(NDUFAF1):c.522C>G (p.Asp174Glu)

Gene: NDUFAF1 (NADH:ubiquinone oxidoreductase complex assembly factor 1; minus strand). Cytogenetic location: 15q15.1.
Variant type: single nucleotide variant.
Coding change: c.522C>G on transcript NM_016013.4 (MANE Select); coding-DNA position 522, C replaced by G.
Protein change: p.Asp174Glu; replaces aspartic acid 174 with glutamic acid.
Molecular consequence: missense variant. On other transcripts: non-coding transcript variant (1).
Genome position (GRCh38, 1-based): chr15:41,396,538, G>C on the plus strand (C>G on the coding strand, the complement: NDUFAF1 is on the minus strand). VCF-style: chr15-41396538-G-C. GRCh37 (hg19) VCF-style: chr15-41688736-G-C.
Other names: short protein forms D174E.
Identifiers: ClinVar variation 1919117 (VCV001919117.5), dbSNP rs373384879, ClinGen allele CA391809873.
Genomic context (GRCh38, chr15:41,396,538, plus strand): 5'-CTCACCTACCCTTGGAATCCTGGATATCATTGCACAGTACCCACTTCGGGTAGACTCCCC[G>C]TCCTGAGGCGCCTCAGAGCTCAGAGTTCCATATAGCAGTGCACTTTGGTTATTCTTGCCC-3'
Protein context (NP_057097.2, residues 164-184): YGTLSSEAPQ[Asp174Glu]GESTRSGYCA